The following is an entry in ClinVar:

NM_005585.5(SMAD6):c.1445C>G (p.Thr482Ser)

Gene: SMAD6 (SMAD family member 6; plus strand). Cytogenetic location: 15q22.31.
Variant type: single nucleotide variant.
Coding change: c.1445C>G on transcript NM_005585.5 (MANE Select); coding-DNA position 1445, C replaced by G.
Protein change: p.Thr482Ser; replaces threonine 482 with serine.
Molecular consequence: missense variant. On other transcripts: non-coding transcript variant (1).
Genome position (GRCh38, 1-based): chr15:66,781,489, C>G. VCF-style: chr15-66781489-C-G. GRCh37 (hg19) VCF-style: chr15-67073827-C-G.
Other names: short protein forms T482S.
Identifiers: ClinVar variation 539112 (VCV000539112.10), dbSNP rs1239470869, ClinGen allele CA393202553.

ClinVar aggregate classification (germline): Uncertain significance. Review status: criteria provided, multiple submitters, no conflicts (2 of 4 stars). 2 submissions from 2 submitters: Uncertain significance (2). Last evaluated 2024-11-11.

Conditions:
Aortic valve disease 2 (AOVD2). Identifiers: MedGen C3542024, MONDO:0013902, OMIM 614823.
Inborn genetic diseases. Identifiers: MedGen C0950123, MeSH D030342.

Allele frequency attached by ClinVar (database versions not stated): gnomAD exomes below 0.00001; gnomAD 0.00002 and 0.00003; TOPMed 0.00012.
gnomAD v4.1: 43 of 1,580,068 alleles (0.0027%); highest among the groups gnomAD compares: Admixed American, 0.011%; no homozygotes.

Submissions (2):

Labcorp Genetics (formerly Invitae), Labcorp
Classification: Uncertain significance for Aortic valve disease 2. Last evaluated: 2024-11-11. Review status: criteria provided, single submitter. Criteria: Invitae Variant Classification Sherloc (09022015). Collection method: clinical testing. Allele origin: germline.
Comment: This sequence change replaces threonine, which is neutral and polar, with serine, which is neutral and polar, at codon 482 of the SMAD6 protein (p.Thr482Ser). This variant is present in population databases (no rsID available, gnomAD 0.003%). This variant has not been reported in the literature in individuals affected with SMAD6-related conditions. ClinVar contains an entry for this variant (Variation ID: 539112). Invitae Evidence Modeling of protein sequence and biophysical properties (such as structural, functional, and spatial information, amino acid conservation, physicochemical variation, residue mobility, and thermodynamic stability) has been performed for this missense variant. However, the output from this modeling did not meet the statistical confidence thresholds required to predict the impact of this variant on SMAD6 protein function. In summary, the available evidence is currently insufficient to determine the role of this variant in disease. Therefore, it has been classified as a Variant of Uncertain Significance.

Ambry Genetics
Classification: Uncertain significance for Inborn genetic diseases. Last evaluated: 2024-10-01. Review status: criteria provided, single submitter. Criteria: Ambry Variant Classification Scheme 2023. Collection method: clinical testing. Allele origin: germline.